The following is an entry in ClinVar:

ClinVar aggregate classification (germline): Uncertain significance (1 of 4 stars; one submission).

Submission:

Labcorp Genetics (formerly Invitae), Labcorp
Classification: Uncertain significance. Last evaluated: 2025-11-19. Review status: criteria provided, single submitter. Criteria: Invitae Variant Classification Sherloc (09022015). Collection method: clinical testing. Allele origin: germline.
Comment: This sequence change replaces lysine, which is basic and polar, with glutamic acid, which is acidic and polar, at codon 1668 of the FOCAD protein (p.Lys1668Glu). Information on the frequency of this variant in the gnomAD database is not available, as this variant may be reported differently in the database. This variant has not been reported in the literature in individuals affected with FOCAD-related conditions. ClinVar contains an entry for this variant (Variation ID: 3709470). Experimental studies and prediction algorithms are not available or were not evaluated, and the functional significance of this variant is currently unknown. In summary, the available evidence is currently insufficient to determine the role of this variant in disease. Therefore, it has been classified as a Variant of Uncertain Significance.

NM_001375567.1(FOCAD):c.5001_5002inv (p.Lys1668Glu)

Gene: FOCAD (focadhesin; plus strand). Cytogenetic location: 9p21.3.
Variant type: Inversion.
Coding change: c.5001_5002inv on transcript NM_001375567.1 (MANE Select).
Protein change: p.Lys1668Glu; replaces lysine 1668 with glutamic acid.
Molecular consequence: missense variant.
Genome position: GRCh38 VCF-style: chr9-20988426-CA-TG. GRCh37 (hg19) VCF-style: chr9-20988425-CA-TG.
Other names: c.4896_4897inv, p.Lys1633Glu (NM_001375568.1, NM_001375570.1); c.5001_5002inv, p.Lys1668Glu (NM_017794.5); short protein forms K1633E, K1668E.
Identifiers: ClinVar variation 3709470 (VCV003709470.2).